The following is an entry in ClinVar:

ClinVar aggregate classification (germline): Benign/Likely benign. Review status: criteria provided, multiple submitters, no conflicts (2 of 4 stars). 7 submissions from 5 submitters: Benign (4); Likely benign (2). 1 of the submissions does not count toward it. Last evaluated 2026-01-05.

Conditions:
Greig cephalopolysyndactyly syndrome (GCPS). Also called: GLI3-Related Greig Cephalopolysyndactyly Syndrome; POLYSYNDACTYLY WITH PECULIAR SKULL SHAPE; Greig syndrome. Identifiers: Orphanet 380, MedGen C0265306, MONDO:0008287, OMIM 175700.
Pallister-Hall syndrome (PHS). Also called: HYPOTHALAMIC HAMARTOBLASTOMA, HYPOPITUITARISM, IMPERFORATE ANUS, AND POSTAXIAL POLYDACTYLY; GLI3-Related Pallister-Hall Syndrome. Identifiers: Orphanet 672, MedGen C0265220, MONDO:0007804, OMIM 146510.
GLI3-related disorder. Also called: GLI3-related disorders; GLI3-related condition. Identifiers: MedGen CN239292.
Polydactyly. Also called: polydactylism. Identifiers: MedGen C0152427, MONDO:0021003, OMIM 603596, HP:0010442.

Allele frequency attached by ClinVar (database versions not stated): gnomAD 0.00019 and 0.00032; gnomAD exomes 0.00042; ExAC 0.00044; TOPMed 0.00044; 1000 Genomes Project 30x 0.00141; 1000 Genomes Project 0.00180.
gnomAD v4.1: 229 of 1,611,088 alleles (0.014%); highest among the groups gnomAD compares: East Asian, 0.4%; 1 homozygote.

Submissions (7):

Labcorp Genetics (formerly Invitae), Labcorp
Classification: Benign for Pallister-Hall syndrome; Greig cephalopolysyndactyly syndrome. Last evaluated: 2026-01-05. Review status: criteria provided, single submitter. Criteria: Invitae Variant Classification Sherloc (09022015). Collection method: clinical testing. Allele origin: germline.

CeGaT Center for Human Genetics Tuebingen
Classification: Likely benign. Last evaluated: 2025-01-01. Review status: criteria provided, single submitter. Criteria: CeGaT Center For Human Genetics Tuebingen Variant Classification Criteria Version 2. Collection method: clinical testing. Allele origin: germline. Affected: yes. Observed: 1 variant allele.
Comment: GLI3: BP4, BP7

Blueprint Genetics
Classification: Likely benign. Last evaluated: 2024-11-23. Review status: criteria provided, single submitter. Criteria: ACMG Guidelines, 2015. Collection method: clinical testing. Allele origin: germline.

Illumina Laboratory Services, Illumina
Classification: Benign for Pallister-Hall syndrome. Last evaluated: 2018-01-12. Review status: criteria provided, single submitter. Criteria: ICSL Variant Classification Criteria 13 December 2019. Collection method: clinical testing. Allele origin: germline.
Comment: This variant was observed in the ICSL laboratory as part of a predisposition screen in an ostensibly healthy population. It had not been previously curated by ICSL or reported in the Human Gene Mutation Database (HGMD: prior to June 1st, 2018), and was therefore a candidate for classification through an automated scoring system. Utilizing variant allele frequency, disease prevalence and penetrance estimates, and inheritance mode, an automated score was calculated to assess if this variant is too frequent to cause the disease. Based on the score and internal cut-off values, a variant classified as benign is not then subjected to further curation. The score for this variant resulted in a classification of benign for this disease.

Illumina Laboratory Services, Illumina
Classification: Benign for Polydactyly. Last evaluated: 2018-01-12. Review status: criteria provided, single submitter. Criteria: ICSL Variant Classification Criteria 13 December 2019. Collection method: clinical testing. Allele origin: germline.
Comment: the same text as in the submission from Illumina Laboratory Services, Illumina above.

Illumina Laboratory Services, Illumina
Classification: Benign for Greig cephalopolysyndactyly syndrome. Last evaluated: 2018-01-12. Review status: criteria provided, single submitter. Criteria: ICSL Variant Classification Criteria 13 December 2019. Collection method: clinical testing. Allele origin: germline.
Comment: the same text as in the submission from Illumina Laboratory Services, Illumina above.

PreventionGenetics, part of Exact Sciences
Classification: Benign for GLI3-related condition. Last evaluated: 2019-09-09. Review status: no assertion criteria provided. Collection method: clinical testing. Allele origin: germline. Not counted in ClinVar's aggregate classification.
Comment: This variant is classified as benign based on ACMG/AMP sequence variant interpretation guidelines (Richards et al. 2015 PMID: 25741868, with internal and published modifications).

NM_000168.6(GLI3):c.3117G>A (p.Ala1039=)

Gene: GLI3 (GLI family zinc finger 3; minus strand). Cytogenetic location: 7p14.1.
Variant type: single nucleotide variant.
Coding change: c.3117G>A on transcript NM_000168.6 (MANE Select); coding-DNA position 3117, G replaced by A.
Protein change: p.Ala1039=; no amino-acid change (alanine 1039 retained).
Molecular consequence: synonymous variant.
Genome position (GRCh38, 1-based): chr7:41,965,956, C>T on the plus strand (G>A on the coding strand, the complement: GLI3 is on the minus strand). VCF-style: chr7-41965956-C-T. GRCh37 (hg19) VCF-style: chr7-42005554-C-T.
Identifiers: ClinVar variation 360232 (VCV000360232.30), dbSNP rs75796620, ClinGen allele CA4230444.
Genomic context (GRCh38, chr7:41,965,956, plus strand): 5'-GTTTCGGGACTGGCCGCCCTCGGGCCGCGTGTAATTCTGAAGCACGAGACTGCGCTTCTC[C>T]GCGGACGTGGCCATCGCCGGGGGGTTGCAGCTGCTGAGGCTGCTGAAGCGCGGCACACGA-3'
Protein context (NP_000159.3, residues 1029-1049): SCNPPAMATS[Ala1039=]EKRSLVLQNY